The following is an entry in ClinVar:

ClinVar aggregate classification (germline): Uncertain significance (1 of 4 stars; one submission).

Submission:

GeneDx
Classification: Uncertain significance. Last evaluated: 2024-11-22. Review status: criteria provided, single submitter. Criteria: GeneDx Variant Classification Process June 2021. Collection method: clinical testing. Allele origin: germline. Affected: yes.
Comment: Not observed at significant frequency in large population cohorts (gnomAD); In silico analysis indicates that this missense variant does not alter protein structure/function; Has not been previously published as pathogenic or benign to our knowledge

NM_003470.3(USP7):c.142C>G (p.Leu48Val)

Gene: USP7 (ubiquitin specific peptidase 7; minus strand). Cytogenetic location: 16p13.2.
Variant type: single nucleotide variant.
Coding change: c.142C>G on transcript NM_003470.3 (MANE Select); coding-DNA position 142, C replaced by G.
Protein change: p.Leu48Val; replaces leucine 48 with valine.
Molecular consequence: missense variant. On other transcripts: 5 prime UTR variant (2), non-coding transcript variant (1).
Genome position (GRCh38, 1-based): chr16:8,930,335, G>C on the plus strand (C>G on the coding strand, the complement: USP7 is on the minus strand). VCF-style: chr16-8930335-G-C. GRCh37 (hg19) VCF-style: chr16-9024192-G-C.
Other names: c.94C>G, p.Leu32Val (NM_001286457.2); c.-331C>G (NM_001286458.2); c.-33C>G (NM_001321858.2); short protein forms L32V, L48V.
Identifiers: ClinVar variation 3901584 (VCV003901584.1).